The following is an entry in ClinVar:

ClinVar aggregate classification (germline): Uncertain significance (0 of 4 stars; one submission).

Submission:

Department of Pathology and Laboratory Medicine, Sinai Health System
Classification: Uncertain significance. Review status: no assertion criteria provided. Collection method: clinical testing. Allele origin: unknown. Affected: yes. Study: The Canadian Open Genetics Repository (COGR).
Comment: The FZD2 p.R191L variant was not identified in the literature nor was it identified in dbSNP, ClinVar or in the following control databases: the 1000 Genomes Project, the NHLBI GO Exome Sequencing Project, or the Genome Aggregation Database (March 6, 2019, v2.1.1). The p.R191 residue is conserved in mammals and computational analyses (MUT Assesor, PolyPhen-2, SIFT, MutationTaster, Revel, FATHMM, MetaLR, DANN) provide inconsistent predictions regarding the impact to the protein; this information is not very predictive of pathogenicity. The variant occurs outside of the splicing consensus sequence and in silico or computational prediction software programs (Splice AI exome) do not predict a difference in splicing. In summary, based on the above information the clinical significance of this variant cannot be determined with certainty at this time. This variant is classified as a variant of uncertain significance.

NM_001466.4(FZD2):c.572G>T (p.Arg191Leu)

Gene: FZD2 (frizzled class receptor 2; plus strand). Cytogenetic location: 17q21.31.
Variant type: single nucleotide variant.
Coding change: c.572G>T on transcript NM_001466.4 (MANE Select); coding-DNA position 572, G replaced by T.
Protein change: p.Arg191Leu; replaces arginine 191 with leucine.
Molecular consequence: missense variant.
Genome position (GRCh38, 1-based): chr17:44,558,260, G>T. VCF-style: chr17-44558260-G-T. GRCh37 (hg19) VCF-style: chr17-42635628-G-T.
Other names: short protein forms R191L.
Identifiers: ClinVar variation 1050703 (VCV001050703.1), dbSNP rs2144572805, ClinGen allele CA399793087.